The following is an entry in ClinVar:

NM_006231.4(POLE):c.4343A>G (p.Asn1448Ser)

Gene: POLE (DNA polymerase epsilon, catalytic subunit; minus strand). Cytogenetic location: 12q24.33.
Variant type: single nucleotide variant.
Coding change: c.4343A>G on transcript NM_006231.4 (MANE Select); coding-DNA position 4343, A replaced by G.
Protein change: p.Asn1448Ser; replaces asparagine 1448 with serine.
Molecular consequence: missense variant.
Genome position (GRCh38, 1-based): chr12:132,643,508, T>C on the plus strand (A>G on the coding strand, the complement: POLE is on the minus strand). VCF-style: chr12-132643508-T-C. GRCh37 (hg19) VCF-style: chr12-133220094-T-C.
Other names: short protein forms N1448S.
Identifiers: ClinVar variation 405736 (VCV000405736.20), dbSNP rs150545516, ClinGen allele CA6892876.

ClinVar aggregate classification (germline): Conflicting classifications of pathogenicity. Review status: criteria provided, conflicting classifications (1 of 4 stars). 5 submissions from 5 submitters: Uncertain significance (4); Likely benign (1). Last evaluated 2026-01-19.

Conditions:
Facial dysmorphism-immunodeficiency-livedo-short stature syndrome. Also called: Facial dysmorphism, immunodeficiency, livedo, and short stature; FILS syndrome. Identifiers: Orphanet 352712, MedGen C3554576, MONDO:0014058, OMIM 615139.
Colorectal cancer, susceptibility to, 12 (CRCS12). Also called: COLORECTAL CANCER, SUSCEPTIBILITY TO, ON CHROMOSOME 12q24. Identifiers: Orphanet 220460, MedGen C3554460, MONDO:0014038, OMIM 615083.
Intrauterine growth retardation, metaphyseal dysplasia, adrenal hypoplasia congenita, genital anomalies, and immunodeficiency. Also called: IMAGEI SYNDROME. Identifiers: MedGen C5193036, MONDO:0032684, OMIM 618336.
Hereditary cancer-predisposing syndrome. Also called: Hereditary Cancer Syndrome; Hereditary neoplastic syndrome; Neoplastic Syndromes, Hereditary; Tumor predisposition. Identifiers: Orphanet 140162, MedGen C0027672, MeSH D009386, MONDO:0015356.

Allele frequency attached by ClinVar (database versions not stated): TOPMed 0.00001; ExAC 0.00004; gnomAD exomes 0.00004 and 0.00012; ESP Exome Variant Server 0.00008.
gnomAD v4.1: 176 of 1,614,176 alleles (0.011%); highest among the groups gnomAD compares: Non-Finnish European, 0.014%; no homozygotes.

Submissions (5):

Labcorp Genetics (formerly Invitae), Labcorp
Classification: Uncertain significance. Last evaluated: 2026-01-19. Review status: criteria provided, single submitter. Criteria: Invitae Variant Classification Sherloc (09022015). Collection method: clinical testing. Allele origin: germline.
Comment: This sequence change replaces asparagine, which is neutral and polar, with serine, which is neutral and polar, at codon 1448 of the POLE protein (p.Asn1448Ser). This variant is present in population databases (rs150545516, gnomAD 0.007%). This variant has not been reported in the literature in individuals affected with POLE-related conditions. ClinVar contains an entry for this variant (Variation ID: 405736). Invitae Evidence Modeling of protein sequence and biophysical properties (such as structural, functional, and spatial information, amino acid conservation, physicochemical variation, residue mobility, and thermodynamic stability) indicates that this missense variant is not expected to disrupt POLE protein function with a negative predictive value of 80%. In summary, the available evidence is currently insufficient to determine the role of this variant in disease. Therefore, it has been classified as a Variant of Uncertain Significance.

GeneDx
Classification: Uncertain significance. Last evaluated: 2025-05-14. Review status: criteria provided, single submitter. Criteria: GeneDx Variant Classification Process June 2021. Collection method: clinical testing. Allele origin: germline. Affected: yes.
Comment: In silico analysis suggests that this missense variant does not alter protein structure/function; Has not been previously published as pathogenic or benign to our knowledge; This variant is associated with the following publications: (PMID: 32546565)

Ambry Genetics
Classification: Likely benign for Hereditary cancer-predisposing syndrome. Last evaluated: 2022-11-13. Review status: criteria provided, single submitter. Criteria: Ambry Variant Classification Scheme 2023. Collection method: clinical testing. Allele origin: germline.

Fulgent Genetics
Classification: Uncertain significance for Colorectal cancer, susceptibility to, 12; Facial dysmorphism-immunodeficiency-livedo-short stature syndrome; Intrauterine growth retardation, metaphyseal dysplasia, adrenal hypoplasia congenita, genital anomalies, and immunodeficiency. Last evaluated: 2021-11-24. Review status: criteria provided, single submitter. Criteria: ACMG Guidelines, 2015. Collection method: clinical testing. Allele origin: unknown.

Mendelics
Classification: Uncertain significance for Colorectal cancer, susceptibility to, 12. Last evaluated: 2019-05-28. Review status: criteria provided, single submitter. Criteria: Mendelics Assertion Criteria 2017. Collection method: clinical testing. Allele origin: unknown.